The following is an entry in ClinVar:

ClinVar aggregate classification (germline): Likely benign (1 of 4 stars; one submission).

Allele frequency attached by ClinVar (database versions not stated): gnomAD 0.00392; 1000 Genomes Project 0.00499.
gnomAD v4.1: 239 of 60,700 alleles (0.39%); highest among the groups gnomAD compares: Admixed American, 0.64%; 18 homozygotes.

Submission:

CeGaT Center for Human Genetics Tuebingen
Classification: Likely benign. Last evaluated: 2023-01-01. Review status: criteria provided, single submitter. Criteria: CeGaT Center For Human Genetics Tuebingen Variant Classification Criteria Version 2. Collection method: clinical testing. Allele origin: germline. Affected: yes. Observed: 3 variant alleles.
Comment: PPP6R2: BS2

NM_001242898.2(PPP6R2):c.1401-535C>T

Gene: PPP6R2 (protein phosphatase 6 regulatory subunit 2; plus strand). Cytogenetic location: 22q13.33.
Variant type: single nucleotide variant.
Coding change: c.1401-535C>T on transcript NM_001242898.2 (MANE Select); 535 bases into the intron before coding-DNA position 1401, C replaced by T.
Molecular consequence: intron variant.
Genome position (GRCh38, 1-based): chr22:50,434,431, C>T. VCF-style: chr22-50434431-C-T. GRCh37 (hg19) VCF-style: chr22-50872860-C-T.
Other names: c.1401-535C>T (NM_001365836.1, NM_001351643.2, NM_001351645.2 and 4 more transcripts); c.1404-535C>T (NM_001351641.2, NM_001242899.2); c.1398-535C>T (NM_001351646.2); c.915-535C>T (NM_001351647.2, NM_001351648.2).
Identifiers: ClinVar variation 2653381 (VCV002653381.24), dbSNP rs35760784, ClinGen allele CA325512869.